The following is an entry in ClinVar:

ClinVar aggregate classification (germline): Likely pathogenic (1 of 4 stars; one submission).

Conditions:
Developmental and epileptic encephalopathy, 18 (DEE18). Also called: Early infantile epileptic encephalopathy 18. Identifiers: Orphanet 369894, MedGen C3809624, MONDO:0014201, OMIM 615476.

Allele frequency attached by ClinVar (database versions not stated): gnomAD exomes below 0.00001; TOPMed below 0.00001; gnomAD 0.00001.

Submission:

Baylor Genetics
Classification: Likely pathogenic for Developmental and epileptic encephalopathy, 18. Last evaluated: 2020-07-08. Review status: criteria provided, single submitter. Criteria: ACMG Guidelines, 2015. Collection method: clinical testing. Allele origin: unknown. Affected: yes.
Comment: This variant was determined to be likely pathogenic according to ACMG Guidelines, 2015 [PMID:25741868].

NM_001365999.1(SZT2):c.5396G>A (p.Trp1799Ter)

Gene: SZT2 (SZT2 subunit of KICSTOR complex; plus strand). Cytogenetic location: 1p34.2.
Variant type: single nucleotide variant.
Coding change: c.5396G>A on transcript NM_001365999.1 (MANE Select); coding-DNA position 5396, G replaced by A.
Protein change: p.Trp1799Ter; replaces tryptophan 1799 with a stop codon.
Molecular consequence: nonsense.
Genome position (GRCh38, 1-based): chr1:43,432,393, G>A. VCF-style: chr1-43432393-G-A. GRCh37 (hg19) VCF-style: chr1-43898064-G-A.
Other names: c.5225G>A, p.Trp1742Ter (NM_015284.4); short protein forms W1742*, W1799*.
Identifiers: ClinVar variation 1029531 (VCV001029531.1), dbSNP rs1306143550, ClinGen allele CA340025067.